The following is an entry in ClinVar:

NM_001197104.2(KMT2A):c.9050A>C (p.Gln3017Pro)

Gene: KMT2A (lysine methyltransferase 2A; plus strand). Cytogenetic location: 11q23.3.
Variant type: single nucleotide variant.
Coding change: c.9050A>C on transcript NM_001197104.2 (MANE Select); coding-DNA position 9050, A replaced by C.
Protein change: p.Gln3017Pro; replaces glutamine 3017 with proline.
Molecular consequence: missense variant.
Genome position (GRCh38, 1-based): chr11:118,504,942, A>C. VCF-style: chr11-118504942-A-C. GRCh37 (hg19) VCF-style: chr11-118375657-A-C.
Other names: c.9140A>C, p.Gln3047Pro (NM_001412597.1); c.9041A>C, p.Gln3014Pro (NM_005933.4); short protein forms Q3014P, Q3017P, Q3047P.
Identifiers: ClinVar variation 3634348 (VCV003634348.2).

ClinVar aggregate classification (germline): Uncertain significance (1 of 4 stars; one submission).

Submission:

Labcorp Genetics (formerly Invitae), Labcorp
Classification: Uncertain significance. Last evaluated: 2024-12-03. Review status: criteria provided, single submitter. Criteria: Invitae Variant Classification Sherloc (09022015). Collection method: clinical testing. Allele origin: germline.
Comment: This sequence change replaces glutamine, which is neutral and polar, with proline, which is neutral and non-polar, at codon 3017 of the KMT2A protein (p.Gln3017Pro). This variant is not present in population databases (gnomAD no frequency). This variant has not been reported in the literature in individuals affected with KMT2A-related conditions. Invitae Evidence Modeling of protein sequence and biophysical properties (such as structural, functional, and spatial information, amino acid conservation, physicochemical variation, residue mobility, and thermodynamic stability) indicates that this missense variant is not expected to disrupt KMT2A protein function with a negative predictive value of 95%. In summary, the available evidence is currently insufficient to determine the role of this variant in disease. Therefore, it has been classified as a Variant of Uncertain Significance.